The following is an entry in ClinVar:

NM_000146.4(FTL):c.229G>A (p.Ala77Thr)

Gene: FTL (ferritin light chain; plus strand). Cytogenetic location: 19q13.33.
Variant type: single nucleotide variant.
Coding change: c.229G>A on transcript NM_000146.4 (MANE Select); coding-DNA position 229, G replaced by A.
Protein change: p.Ala77Thr; replaces alanine 77 with threonine.
Molecular consequence: missense variant.
Genome position (GRCh38, 1-based): chr19:48,965,896, G>A. VCF-style: chr19-48965896-G-A. GRCh37 (hg19) VCF-style: chr19-49469153-G-A.
Other names: short protein forms A77T.
Identifiers: ClinVar variation 2933497 (VCV002933497.3), dbSNP rs1252724609, ClinGen allele CA406756537.

ClinVar aggregate classification (germline): Uncertain significance (1 of 4 stars; one submission).

Conditions:
Neuroferritinopathy (NBIA3). Also called: NEURODEGENERATION WITH BRAIN IRON ACCUMULATION 3; BASAL GANGLIA DISEASE, ADULT-ONSET. Identifiers: Orphanet 157846, MedGen C1853578, MONDO:0011638, OMIM 606159.
Hereditary hyperferritinemia with congenital cataracts. Also called: HYPERFERRITINEMIA WITH OR WITHOUT CATARACT; Hereditary hyperferritinemia cataract syndrome; Bonneau-Beaumont syndrome. Identifiers: Orphanet 163, MedGen C1833213, MONDO:0010952, OMIM 600886.

Allele frequency attached by ClinVar (database versions not stated): gnomAD 0.00001; TOPMed 0.00001.

Submission:

Labcorp Genetics (formerly Invitae), Labcorp
Classification: Uncertain significance for Neuroferritinopathy; Hereditary hyperferritinemia with congenital cataracts. Last evaluated: 2023-09-06. Review status: criteria provided, single submitter. Criteria: Invitae Variant Classification Sherloc (09022015). Collection method: clinical testing. Allele origin: germline.
Comment: This sequence change replaces alanine, which is neutral and non-polar, with threonine, which is neutral and polar, at codon 77 of the FTL protein (p.Ala77Thr). This variant is not present in population databases (gnomAD no frequency). This variant has not been reported in the literature in individuals affected with FTL-related conditions. An algorithm developed to predict the effect of missense changes on protein structure and function (PolyPhen-2) suggests that this variant is likely to be tolerated. In summary, the available evidence is currently insufficient to determine the role of this variant in disease. Therefore, it has been classified as a Variant of Uncertain Significance.